The following is an entry in ClinVar:

ClinVar aggregate classification (germline): Uncertain significance (1 of 4 stars; one submission).

Conditions:
Primary ciliary dyskinesia. Also called: Ciliary dyskinesia. Identifiers: Orphanet 244, MedGen C0008780, MONDO:0016575, HP:0012265.

Allele frequency attached by ClinVar (database versions not stated): gnomAD 0.00001.
gnomAD v4.1: 6 of 1,614,022 alleles (0.00037%); highest among the groups gnomAD compares: Admixed American, 0.0067%; no homozygotes.

Submission:

Ambry Genetics
Classification: Uncertain significance for Primary ciliary dyskinesia. Last evaluated: 2024-03-20. Review status: criteria provided, single submitter. Criteria: Ambry Variant Classification Scheme 2023. Collection method: clinical testing. Allele origin: germline.
Comment: The p.R261T variant (also known as c.782G>C), located in coding exon 5 of the CCDC40 gene, results from a G to C substitution at nucleotide position 782. The arginine at codon 261 is replaced by threonine, an amino acid with similar properties. This amino acid position is poorly conserved in available vertebrate species. In addition, this alteration is predicted to be tolerated by in silico analysis. Since supporting evidence is limited at this time, the clinical significance of this alteration remains unclear.

NM_017950.4(CCDC40):c.782G>C (p.Arg261Thr)

Gene: CCDC40 (coiled-coil domain 40 molecular ruler complex subunit; plus strand). Cytogenetic location: 17q25.3.
Variant type: single nucleotide variant.
Coding change: c.782G>C on transcript NM_017950.4 (MANE Select); coding-DNA position 782, G replaced by C.
Protein change: p.Arg261Thr; replaces arginine 261 with threonine.
Molecular consequence: missense variant.
Genome position (GRCh38, 1-based): chr17:80,048,688, G>C. VCF-style: chr17-80048688-G-C. GRCh37 (hg19) VCF-style: chr17-78022487-G-C.
Other names: c.782G>C, p.Arg261Thr (NM_001243342.2, NM_001330508.2); short protein forms R261T.
Identifiers: ClinVar variation 1760802 (VCV001760802.3), dbSNP rs927440419, ClinGen allele CA294886081.